The following is an entry in ClinVar:

NM_000548.5(TSC2):c.5069-21G>A

Gene: TSC2 (TSC complex subunit 2; plus strand). Cytogenetic location: 16p13.3.
Variant type: single nucleotide variant.
Coding change: c.5069-21G>A on transcript NM_000548.5 (MANE Select); 21 bases into the intron before coding-DNA position 5069, G replaced by A.
Molecular consequence: intron variant.
Genome position (GRCh38, 1-based): chr16:2,088,027, G>A. VCF-style: chr16-2088027-G-A. GRCh37 (hg19) VCF-style: chr16-2138028-G-A.
Other names: c.5000-21G>A (NM_001114382.3); c.4940-21G>A (NM_021055.3, NM_001370405.1); c.4871-21G>A (NM_001363528.2); c.4937-21G>A (NM_001370404.1); c.4868-21G>A (NM_001077183.3); c.4760-21G>A (NM_001318827.2); c.4337-21G>A (NM_001318831.2); c.4724-21G>A (NM_001318829.2); and 1 more.
Identifiers: ClinVar variation 49870 (VCV000049870.30), dbSNP rs45517390, ClinGen allele CA021656.

ClinVar aggregate classification (germline): Likely benign. Review status: criteria provided, multiple submitters, no conflicts (2 of 4 stars). 3 submissions from 3 submitters: Likely benign (2). 1 of the submissions does not count toward it. Last evaluated 2025-08-01.

Conditions:
Tuberous sclerosis syndrome (TSC). Also called: Tuberous Sclerosis Complex; Tuberous sclerosis. Identifiers: Orphanet 805, MedGen C0041341, MONDO:0001734.

Allele frequency attached by ClinVar (database versions not stated): gnomAD 0.00013 and 0.00011; TOPMed 0.00023; ExAC 0.00043; 1000 Genomes Project 0.00060; 1000 Genomes Project 30x 0.00062.
gnomAD v4.1: 238 of 1,611,618 alleles (0.015%); highest among the groups gnomAD compares: East Asian, 0.38%; no homozygotes.

Submissions (3):

CeGaT Center for Human Genetics Tuebingen
Classification: Likely benign. Last evaluated: 2025-08-01. Review status: criteria provided, single submitter. Criteria: CeGaT Center For Human Genetics Tuebingen Variant Classification Criteria Version 2. Collection method: clinical testing. Allele origin: germline. Affected: yes. Observed: 3 variant alleles.
Comment: TSC2: BS1

Blueprint Genetics
Classification: Likely benign. Last evaluated: 2023-07-13. Review status: criteria provided, single submitter. Criteria: ACMG Guidelines, 2015. Collection method: clinical testing. Allele origin: germline.

Tuberous sclerosis database (TSC2)
No classification provided. Condition: TSC. Review status: no classification provided. Criteria: Tuberous Sclerosis Database Assertion Criteria 2015. Collection method: curation. Allele origin: germline. Affected: yes. Not counted in ClinVar's aggregate classification.